The following is an entry in ClinVar:

ClinVar aggregate classification (germline): Uncertain significance. Review status: criteria provided, multiple submitters, no conflicts (2 of 4 stars). 5 submissions from 5 submitters: Uncertain significance (5). Last evaluated 2025-10-07.

Conditions:
Familial thoracic aortic aneurysm and aortic dissection (TAAD). Also called: Thoracic aortic aneurysms and dissections. Identifiers: Orphanet 91387, MedGen C4707243, MONDO:0019625.
Aortic aneurysm, familial thoracic 7 (AAT7). Also called: AORTIC DISSECTION, FAMILIAL, WITH OR WITHOUT AORTIC ANEURYSM. Identifiers: MedGen C3151077, MONDO:0013418, OMIM 613780.
Megacystis-microcolon-intestinal hypoperistalsis syndrome 1. Identifiers: MedGen C5542316, MONDO:0100354, OMIM 249210.

Allele frequency attached by ClinVar (database versions not stated): TOPMed 0.00002.
gnomAD v4.1: 12 of 1,613,994 alleles (0.00074%); highest among the groups gnomAD compares: Non-Finnish European, 0.001%; no homozygotes.

Submissions (5):

Labcorp Genetics (formerly Invitae), Labcorp
Classification: Uncertain significance for Aortic aneurysm, familial thoracic 7. Last evaluated: 2025-10-07. Review status: criteria provided, single submitter. Criteria: Invitae Variant Classification Sherloc (09022015). Collection method: clinical testing. Allele origin: germline.
Comment: This sequence change replaces glycine, which is neutral and non-polar, with arginine, which is basic and polar, at codon 1639 of the MYLK protein (p.Gly1639Arg). This variant is present in population databases (no rsID available, gnomAD 0.002%). This variant has not been reported in the literature in individuals affected with MYLK-related conditions. ClinVar contains an entry for this variant (Variation ID: 264399). Invitae Evidence Modeling of protein sequence and biophysical properties (such as structural, functional, and spatial information, amino acid conservation, physicochemical variation, residue mobility, and thermodynamic stability) indicates that this missense variant is not expected to disrupt MYLK protein function with a negative predictive value of 80%. In summary, the available evidence is currently insufficient to determine the role of this variant in disease. Therefore, it has been classified as a Variant of Uncertain Significance.

Mayo Clinic Laboratories, Mayo Clinic
Classification: Uncertain significance. Last evaluated: 2024-06-24. Review status: criteria provided, single submitter. Criteria: ACMG Guidelines, 2015. Collection method: clinical testing. Allele origin: germline. Observed: 3 variant alleles.

GeneDx
Classification: Uncertain significance. Last evaluated: 2023-03-06. Review status: criteria provided, single submitter. Criteria: GeneDx Variant Classification Process June 2021. Collection method: clinical testing. Allele origin: germline. Affected: yes.
Comment: Has not been previously published as pathogenic or benign to our knowledge; Not observed at significant frequency in large population cohorts (gnomAD); In silico analysis supports that this missense variant has a deleterious effect on protein structure/function

Fulgent Genetics
Classification: Uncertain significance for Megacystis-microcolon-intestinal hypoperistalsis syndrome 1; Aortic aneurysm, familial thoracic 7. Last evaluated: 2021-10-08. Review status: criteria provided, single submitter. Criteria: ACMG Guidelines, 2015. Collection method: clinical testing. Allele origin: unknown.

Ambry Genetics
Classification: Uncertain significance for Familial thoracic aortic aneurysm and aortic dissection. Last evaluated: 2015-10-13. Review status: criteria provided, single submitter. Criteria: Ambry Variant Classification Scheme 2023. Collection method: clinical testing. Allele origin: germline.
Comment: The p.G1639R variant (also known as c.4915G>C), located in coding exon 26 of the MYLK gene, results from a G to C substitution at nucleotide position 4915. The glycine at codon 1639 is replaced by arginine, an amino acid with dissimilar properties. This variant was not reported in population based cohorts in the following databases: Database of Single Nucleotide Polymorphisms (dbSNP), NHLBI Exome Sequencing Project (ESP), and 1000 Genomes Project. In the ESP, this variant was not observed in 6503 samples (13006 alleles) with coverage at this position. This amino acid position is not well conserved in available vertebrate species. In addition, this alteration is predicted to be tolerated by in silico analysis. Since supporting evidence is limited at this time, the clinical significance of this variant remains unclear.

NM_053025.4(MYLK):c.4915G>C (p.Gly1639Arg)

Gene: MYLK (myosin light chain kinase; minus strand). Cytogenetic location: 3q21.1.
Variant type: single nucleotide variant.
Coding change: c.4915G>C on transcript NM_053025.4 (MANE Select); coding-DNA position 4915, G replaced by C.
Protein change: p.Gly1639Arg; replaces glycine 1639 with arginine.
Molecular consequence: missense variant.
Genome position (GRCh38, 1-based): chr3:123,638,117, C>G on the plus strand (G>C on the coding strand, the complement: MYLK is on the minus strand). VCF-style: chr3-123638117-C-G. GRCh37 (hg19) VCF-style: chr3-123356964-C-G.
Other names: p.Gly1639Arg; c.4387G>C, p.Gly1463Arg (NM_001321309.2); c.4708G>C, p.Gly1570Arg (NM_053026.4, NM_053028.4); c.4915G>C, p.Gly1639Arg (NM_053027.4); short protein forms G1639R, G1463R, G1570R.
Identifiers: ClinVar variation 264399 (VCV000264399.15), dbSNP rs143900788, ClinGen allele CA10587553.